The following is an entry in ClinVar:

NM_001394998.1(TANC2):c.1989G>C (p.Leu663=)

Gene: TANC2 (tetratricopeptide repeat, ankyrin repeat and coiled-coil containing 2; plus strand). Cytogenetic location: 17q23.3.
Variant type: single nucleotide variant.
Coding change: c.1989G>C on transcript NM_001394998.1 (MANE Select); coding-DNA position 1989, G replaced by C.
Protein change: p.Leu663=; no amino-acid change (leucine 663 retained).
Molecular consequence: synonymous variant.
Genome position (GRCh38, 1-based): chr17:63,354,797, G>C. VCF-style: chr17-63354797-G-C. GRCh37 (hg19) VCF-style: chr17-61432158-G-C.
Other names: c.1767G>C, p.Leu589= (NM_001411076.1, NM_025185.4).
Identifiers: ClinVar variation 4846947 (VCV004846947.1).

ClinVar aggregate classification (germline): Uncertain significance (1 of 4 stars; one submission).

Conditions:
Intellectual developmental disorder with autistic features and language delay, with or without seizures. Identifiers: MedGen C5394447, MONDO:0030051, OMIM 618906.

Submission:

Laboratorio de Genetica e Diagnostico Molecular, Hospital Israelita Albert Einstein
Classification: Uncertain significance for Intellectual developmental disorder with autistic features and language delay, with or without seizures. Last evaluated: 2026-02-12. Review status: criteria provided, single submitter. Criteria: ACMG Guidelines, 2015. Collection method: clinical testing. Allele origin: germline. Affected: yes.
Comment: ACMG classification criteria: PM2 supporting, PP3 supporting